The following is an entry in ClinVar:

NM_006121.4(KRT1):c.-8A>C

Gene: KRT1 (keratin 1; minus strand). Cytogenetic location: 12q13.13.
Variant type: single nucleotide variant.
Coding change: c.-8A>C on transcript NM_006121.4 (MANE Select); 8 bases upstream of the start codon, A replaced by C.
Molecular consequence: 5 prime UTR variant.
Genome position (GRCh38, 1-based): chr12:52,680,356, T>G on the plus strand (A>C on the coding strand, the complement: KRT1 is on the minus strand). VCF-style: chr12-52680356-T-G. GRCh37 (hg19) VCF-style: chr12-53074140-T-G.
Identifiers: ClinVar variation 3348019 (VCV003348019.1).

ClinVar aggregate classification (germline): Likely benign (0 of 4 stars; one submission).

Conditions:
KRT1-related disorder. Also called: KRT1-related condition.

Submission:

PreventionGenetics, part of Exact Sciences
Classification: Likely benign for KRT1-related condition. Last evaluated: 2024-06-03. Review status: no assertion criteria provided. Collection method: clinical testing. Allele origin: germline.
Comment: This variant is classified as likely benign based on ACMG/AMP sequence variant interpretation guidelines (Richards et al. 2015 PMID: 25741868, with internal and published modifications).